The following is an entry in ClinVar:

ClinVar aggregate classification (germline): Benign. Review status: criteria provided, single submitter (1 of 4 stars). 3 submissions from 1 submitter: Benign (3). Last evaluated 2018-01-13.

Conditions:
Paroxysmal extreme pain disorder (PEXPD). Also called: PAIN, SUBMANDIBULAR, OCULAR, AND RECTAL, WITH FLUSHING; RECTAL PAIN, FAMILIAL; SCN9A Paroxysmal Extreme Pain Disorder (SCN9A-PEPD). Identifiers: Orphanet 46348, MedGen C1833661, MONDO:0008179, OMIM 167400.
Channelopathy-associated congenital insensitivity to pain, autosomal recessive. Also called: Insensitivity to pain, channelopathy-associated; ASYMBOLIA FOR PAIN; CONGENITAL ANALGESIA, AUTOSOMAL RECESSIVE. Identifiers: Orphanet 88642, Orphanet 970, MedGen C1855739, MONDO:0009459, OMIM 243000.
Primary erythromelalgia. Also called: SCN9A Erythromelalgia (SCN9A-EM); primary erythermalgia. Identifiers: Orphanet 306577, Orphanet 90026, MedGen C0014805, MONDO:0007571, OMIM 133020.

Allele frequency attached by ClinVar (database versions not stated): gnomAD 0.00457 and 0.00617; TOPMed 0.00527; 1000 Genomes Project 0.01338; 1000 Genomes Project 30x 0.01359.

Submissions (3):

Illumina Laboratory Services, Illumina
Classification: Benign for Channelopathy-associated congenital insensitivity to pain, autosomal recessive. Last evaluated: 2018-01-13. Review status: criteria provided, single submitter. Criteria: ICSL Variant Classification Criteria 13 December 2019. Collection method: clinical testing. Allele origin: germline.
Comment: This variant was observed in the ICSL laboratory as part of a predisposition screen in an ostensibly healthy population. It had not been previously curated by ICSL or reported in the Human Gene Mutation Database (HGMD: prior to June 1st, 2018), and was therefore a candidate for classification through an automated scoring system. Utilizing variant allele frequency, disease prevalence and penetrance estimates, and inheritance mode, an automated score was calculated to assess if this variant is too frequent to cause the disease. Based on the score and internal cut-off values, a variant classified as benign is not then subjected to further curation. The score for this variant resulted in a classification of benign for this disease.

Illumina Laboratory Services, Illumina
Classification: Benign for Primary erythromelalgia. Last evaluated: 2018-01-13. Review status: criteria provided, single submitter. Criteria: ICSL Variant Classification Criteria 13 December 2019. Collection method: clinical testing. Allele origin: germline.
Comment: the same text as in the submission from Illumina Laboratory Services, Illumina above.

Illumina Laboratory Services, Illumina
Classification: Benign for Paroxysmal extreme pain disorder. Last evaluated: 2018-01-13. Review status: criteria provided, single submitter. Criteria: ICSL Variant Classification Criteria 13 December 2019. Collection method: clinical testing. Allele origin: germline.
Comment: the same text as in the submission from Illumina Laboratory Services, Illumina above.

NM_001365536.1(SCN9A):c.*2662G>A

Genes: SCN1A-AS1 (SCN1A and SCN9A antisense RNA 1; plus strand), SCN9A (sodium voltage-gated channel alpha subunit 9; minus strand). Cytogenetic location: 2q24.3.
Variant type: single nucleotide variant.
Coding change: c.*2662G>A on transcript NM_001365536.1 (MANE Select); 2662 bases downstream of the stop codon, G replaced by A.
Molecular consequence: 3 prime UTR variant.
Genome position (GRCh38, 1-based): chr2:166,196,010, C>T on the plus strand (G>A on the coding strand, the complement: SCN9A is on the minus strand). VCF-style: chr2-166196010-C-T. GRCh37 (hg19) VCF-style: chr2-167052520-C-T.
Other names: c.*2662G>A (NM_002977.4).
Identifiers: ClinVar variation 331906 (VCV000331906.6), dbSNP rs149873320, ClinGen allele CA10611586.